The following is an entry in ClinVar:

ClinVar aggregate classification (germline): Conflicting classifications of pathogenicity. Review status: criteria provided, conflicting classifications (1 of 4 stars). 4 submissions from 4 submitters: Uncertain significance (2); Likely benign (2). Last evaluated 2025-03-20.

Conditions:
ABCA4-related disorder. Also called: ABCA4-related disorders; ABCA4-related condition. Identifiers: MedGen CN239167.
Retinal dystrophy. Also called: Inherited retinal dystrophy. Identifiers: Orphanet 71862, MedGen C0854723, MeSH D058499, MONDO:0019118, HP:0000556.

Allele frequency attached by ClinVar (database versions not stated): gnomAD exomes 0.00014 and 0.00034; ExAC 0.00051.
gnomAD v4.1: 232 of 1,613,618 alleles (0.014%); highest among the groups gnomAD compares: Non-Finnish European, 0.0071%; no homozygotes.

Submissions (4):

PreventionGenetics, part of Exact Sciences
Classification: Likely benign for ABCA4-related condition. Last evaluated: 2025-03-20. Review status: criteria provided, single submitter. Criteria: ACMG Guidelines, 2015. Collection method: clinical testing. Allele origin: germline.
Comment: This variant is classified as likely benign based on ACMG/AMP sequence variant interpretation guidelines (Richards et al. 2015 PMID: 25741868, with internal and published modifications).

Blueprint Genetics
Classification: Uncertain significance. Last evaluated: 2024-06-24. Review status: criteria provided, single submitter. Criteria: ACMG Guidelines, 2015. Collection method: clinical testing. Allele origin: germline.

Labcorp Genetics (formerly Invitae), Labcorp
Classification: Likely benign. Last evaluated: 2024-01-26. Review status: criteria provided, single submitter. Criteria: Invitae Variant Classification Sherloc (09022015). Collection method: clinical testing. Allele origin: germline.

Dept Of Ophthalmology, Nagoya University
Classification: Uncertain significance for Retinal dystrophy. Last evaluated: 2023-10-01. Review status: criteria provided, single submitter. Criteria: Submitter's publication. Collection method: research. Allele origin: germline. Affected: yes.

NM_000350.3(ABCA4):c.1969A>G (p.Ile657Val)

Gene: ABCA4 (ATP binding cassette subfamily A member 4; minus strand). Cytogenetic location: 1p22.1.
Variant type: single nucleotide variant.
Coding change: c.1969A>G on transcript NM_000350.3 (MANE Select); coding-DNA position 1969, A replaced by G.
Protein change: p.Ile657Val; replaces isoleucine 657 with valine.
Molecular consequence: missense variant.
Genome position (GRCh38, 1-based): chr1:94,060,728, T>C on the plus strand (A>G on the coding strand, the complement: ABCA4 is on the minus strand). VCF-style: chr1-94060728-T-C. GRCh37 (hg19) VCF-style: chr1-94526284-T-C.
Other names: c.1969A>G, p.Ile657Val (NM_001425324.1); c.1969A>G (NM_000350.2); short protein forms I657V.
Identifiers: ClinVar variation 1129209 (VCV001129209.12), dbSNP rs199590367, ClinGen allele CA958374.